The following is an entry in ClinVar:

NM_000088.4(COL1A1):c.2102del (p.Gly701fs)

Gene: COL1A1 (collagen type I alpha 1 chain; minus strand). Cytogenetic location: 17q21.33.
Variant type: Deletion.
Coding change: c.2102del on transcript NM_000088.4 (MANE Select); coding-DNA position 2102, one base deleted (G; older notation c.2102delG).
Protein change: p.Gly701fs; shifts the reading frame from glycine 701.
Molecular consequence: frameshift variant.
Genome position (GRCh38, 1-based): chr17:50,191,813, C deleted on the plus strand (G on the coding strand, the reverse complement: COL1A1 is on the minus strand); the first of 2 consecutive C bases (chr17:50,191,813-50,191,814); deleting either gives the same sequence. VCF-style (leftmost placement, unchanged base first): chr17-50191812-AC-A. GRCh37 (hg19) VCF-style: chr17-48269173-AC-A.
Other names: short protein forms G701fs.
Identifiers: ClinVar variation 870108 (VCV000870108.2), dbSNP rs1907103040, ClinGen allele CA1139665701.

ClinVar aggregate classification (germline): Pathogenic (1 of 4 stars; one submission).

Conditions:
Osteogenesis imperfecta (OI). Identifiers: Orphanet 666, MedGen C0029434, MeSH D010013, MONDO:0019019.

Submission:

Genetics Department, Polish Mother's Memorial Hospital Research Institute
Classification: Pathogenic for Osteogenesis imperfecta. Last evaluated: 2020-04-06. Review status: criteria provided, single submitter. Criteria: ACMG Guidelines, 2015. Collection method: research. Allele origin: de novo. Affected: yes. Observed: 1 variant allele.